The following is an entry in ClinVar:

ClinVar aggregate classification (germline): Uncertain significance (1 of 4 stars; one submission).

Conditions:
Charcot-Marie-Tooth disease type 2. Also called: Charcot-Marie-Tooth type 2. Identifiers: Orphanet 64746, MedGen C0270914, MONDO:0018993.

Allele frequency attached by ClinVar (database versions not stated): TOPMed below 0.00001.

Submission:

Labcorp Genetics (formerly Invitae), Labcorp
Classification: Uncertain significance for Charcot-Marie-Tooth disease type 2. Last evaluated: 2023-10-22. Review status: criteria provided, single submitter. Criteria: Invitae Variant Classification Sherloc (09022015). Collection method: clinical testing. Allele origin: germline.
Comment: This sequence change replaces alanine, which is neutral and non-polar, with threonine, which is neutral and polar, at codon 973 of the KIF1B protein (p.Ala973Thr). This variant is not present in population databases (gnomAD no frequency). This variant has not been reported in the literature in individuals affected with KIF1B-related conditions. Advanced modeling of protein sequence and biophysical properties (such as structural, functional, and spatial information, amino acid conservation, physicochemical variation, residue mobility, and thermodynamic stability) performed at Invitae indicates that this missense variant is not expected to disrupt KIF1B protein function. In summary, the available evidence is currently insufficient to determine the role of this variant in disease. Therefore, it has been classified as a Variant of Uncertain Significance.

NM_001365951.3(KIF1B):c.3055G>A (p.Ala1019Thr)

Gene: KIF1B (kinesin family member 1B; plus strand). Cytogenetic location: 1p36.22.
Variant type: single nucleotide variant.
Coding change: c.3055G>A on transcript NM_001365951.3 (MANE Select); coding-DNA position 3055, G replaced by A.
Protein change: p.Ala1019Thr; replaces alanine 1019 with threonine.
Molecular consequence: missense variant.
Genome position (GRCh38, 1-based): chr1:10,336,668, G>A. VCF-style: chr1-10336668-G-A. GRCh37 (hg19) VCF-style: chr1-10396726-G-A.
Other names: c.3055G>A, p.Ala1019Thr (NM_001365952.1); c.2917G>A, p.Ala973Thr (NM_015074.3); short protein forms A1019T, A973T.
Identifiers: ClinVar variation 2770422 (VCV002770422.3), dbSNP rs1652193410, ClinGen allele CA338339275.